The following is an entry in ClinVar:

NM_000126.4(ETFA):c.39G>A (p.Ala13=)

Gene: ETFA (electron transfer flavoprotein subunit alpha; minus strand). Cytogenetic location: 15q24.3.
Variant type: single nucleotide variant.
Coding change: c.39G>A on transcript NM_000126.4 (MANE Select); coding-DNA position 39, G replaced by A.
Protein change: p.Ala13=; no amino-acid change (alanine 13 retained).
Molecular consequence: synonymous variant.
Genome position (GRCh38, 1-based): chr15:76,311,350, C>T on the plus strand (G>A on the coding strand, the complement: ETFA is on the minus strand). VCF-style: chr15-76311350-C-T. GRCh37 (hg19) VCF-style: chr15-76603691-C-T.
Other names: c.39G>A, p.Ala13= (NM_001127716.2).
Identifiers: ClinVar variation 990296 (VCV000990296.4), dbSNP rs776956043, ClinGen allele CA7673894.
Genomic context (GRCh38, chr15:76,311,350, plus strand): 5'-ATAGGGACGGCGGGTTGACGGGGGGCCGTCCCTGGGTTCGCCTTCCCAGTCCGGACTCAC[C>T]GCCCGCCGGAGCTGCCCCGGAGCCGCCGCTCGGAACATGGTCTCCGCTTCCGCCGCAACC-3'
Protein context (NP_000117.1, residues 3-23): RAAAPGQLRR[Ala13=]ASLLRFQSTL

ClinVar aggregate classification (germline): Uncertain significance. Review status: criteria provided, multiple submitters, no conflicts (2 of 4 stars). 3 submissions from 3 submitters: Uncertain significance (2). 1 of the submissions does not count toward it. Last evaluated 2022-08-12.

Conditions:
Multiple acyl-CoA dehydrogenase deficiency (MADD). Also called: Glutaric acidemia type II; GA 2; ETHYLMALONIC-ADIPICACIDURIA; GA II; Glutaric aciduria, type 2; Glutaric Acidemia type 2. Identifiers: Orphanet 26791, MedGen C0268596, MONDO:0009282, OMIM 231680.

Allele frequency attached by ClinVar (database versions not stated): ExAC below 0.00001; gnomAD 0.00001; TOPMed 0.00002.
gnomAD v4.1: 47 of 1,557,556 alleles (0.003%); highest among the groups gnomAD compares: Non-Finnish European, 0.004%; no homozygotes.

Submissions (3):

Labcorp Genetics (formerly Invitae), Labcorp
Classification: Uncertain significance for Multiple acyl-CoA dehydrogenase deficiency. Last evaluated: 2022-08-12. Review status: criteria provided, single submitter. Criteria: Invitae Variant Classification Sherloc (09022015). Collection method: clinical testing. Allele origin: germline.
Comment: This sequence change affects codon 13 of the ETFA mRNA. It is a 'silent' change, meaning that it does not change the encoded amino acid sequence of the ETFA protein. This variant also falls at the last nucleotide of exon 1, which is part of the consensus splice site for this exon. The frequency data for this variant in the population databases is considered unreliable, as metrics indicate poor data quality at this position in the gnomAD database. This variant has not been reported in the literature in individuals affected with ETFA-related conditions. ClinVar contains an entry for this variant (Variation ID: 990296). Variants that disrupt the consensus splice site are a relatively common cause of aberrant splicing (PMID: 17576681, 9536098). Algorithms developed to predict the effect of sequence changes on RNA splicing suggest that this variant may disrupt the consensus splice site. In summary, the available evidence is currently insufficient to determine the role of this variant in disease. Therefore, it has been classified as a Variant of Uncertain Significance.

Fulgent Genetics
Classification: Uncertain significance for Multiple acyl-CoA dehydrogenase deficiency. Last evaluated: 2022-03-16. Review status: criteria provided, single submitter. Criteria: ACMG Guidelines, 2015. Collection method: clinical testing. Allele origin: unknown.

Natera, Inc.
Classification: Uncertain significance for Glutaric aciduria type 2. Last evaluated: 2020-04-19. Review status: no assertion criteria provided. Collection method: clinical testing. Allele origin: germline. Not counted in ClinVar's aggregate classification.

Literature cited by the submitters: PubMed 17576681 (cited by Labcorp Genetics (formerly Invitae), Labcorp); PubMed 9536098 (cited by Labcorp Genetics (formerly Invitae), Labcorp).